The following is an entry in ClinVar:

ClinVar aggregate classification (germline): other (0 of 4 stars; one submission).

Conditions:
Familial colorectal cancer. Identifiers: MedGen CN280943, MONDO:0023113. Disease mechanism: loss of function.

Submission:

Systems Biology Platform Zhejiang California International NanoSystems Institute
Classification: other for Familial colorectal cancer. Review status: no assertion criteria provided. Collection method: not provided. Allele origin: unknown.
ClinVar note: Converted during submission from cancer to other.

NM_000038.6(APC):c.835-1318C>A

Gene: APC (APC regulator of WNT signaling pathway; plus strand). Cytogenetic location: 5q22.2.
Variant type: single nucleotide variant.
Coding change: c.835-1318C>A on transcript NM_000038.6 (MANE Select); 1318 bases into the intron before coding-DNA position 835, C replaced by A.
Molecular consequence: intron variant.
Genome position (GRCh38, 1-based): chr5:112,814,177, C>A. VCF-style: chr5-112814177-C-A. GRCh37 (hg19) VCF-style: chr5-112149874-C-A.
Other names: c.835-1318C>A (NM_001354895.2, NM_001127510.3, NM_001354896.2 and 1 more transcripts); c.865-1318C>A (NM_001354897.2, NM_001354902.2); c.781-1318C>A (NM_001127511.3); c.760-1318C>A (NM_001354898.2, NM_001354904.2); c.-15-1318C>A (NM_001354906.2); c.751-1318C>A (NM_001354899.2); c.658-1318C>A (NM_001354900.2, NM_001354901.2, NM_001354905.2).
Identifiers: ClinVar variation 83090 (VCV000083090.2), dbSNP rs77304181, ClinGen allele CA015080.